The following is an entry in ClinVar:

NM_003334.4(UBA1):c.160C>T (p.Leu54Phe)

Genes: UBA1 (ubiquitin like modifier activating enzyme 1; plus strand), LOC126863253 (CDK7 strongly-dependent group 2 enhancer GRCh37_chrX:47057593-47058792; plus strand). Cytogenetic location: Xp11.3.
Variant type: single nucleotide variant.
Coding change: c.160C>T on transcript NM_003334.4 (MANE Select); coding-DNA position 160, C replaced by T.
Protein change: p.Leu54Phe; replaces leucine 54 with phenylalanine.
Molecular consequence: missense variant.
Genome position (GRCh38, 1-based): chrX:47,199,090, C>T. VCF-style: chrX-47199090-C-T. GRCh37 (hg19) VCF-style: chrX-47058489-C-T.
Other names: c.202C>T, p.Leu68Phe (NM_001440807.1); c.178C>T, p.Leu60Phe (NM_001440809.1, NM_001440810.1); c.160C>T, p.Leu54Phe (NM_001440811.1, NM_001440812.1, NM_153280.3); short protein forms L54F, L60F, L68F.
Identifiers: ClinVar variation 4720724 (VCV004720724.1).

ClinVar aggregate classification (germline): Uncertain significance (1 of 4 stars; one submission).

Conditions:
Infantile-onset X-linked spinal muscular atrophy. Also called: Spinal Muscular Atrophy, X-Linked Infantile; AMC, DISTAL, X-LINKED; ARTHROGRYPOSIS, X-LINKED, TYPE I; SPINAL MUSCULAR ATROPHY, X-LINKED LETHAL INFANTILE; Spinal muscular atrophy, X-linked 2. Identifiers: Orphanet 1145, MedGen C1844934, MONDO:0010532, OMIM 301830.

Submission:

Labcorp Genetics (formerly Invitae), Labcorp
Classification: Uncertain significance for Infantile-onset X-linked spinal muscular atrophy. Last evaluated: 2025-06-03. Review status: criteria provided, single submitter. Criteria: Invitae Variant Classification Sherloc (09022015). Collection method: clinical testing. Allele origin: germline.
Comment: This sequence change replaces leucine, which is neutral and non-polar, with phenylalanine, which is neutral and non-polar, at codon 54 of the UBA1 protein (p.Leu54Phe). This variant is not present in population databases (gnomAD no frequency). This variant has not been reported in the literature in individuals affected with UBA1-related conditions. An algorithm developed to predict the effect of missense changes on protein structure and function (PolyPhen-2) suggests that this variant is likely to be disruptive. In summary, the available evidence is currently insufficient to determine the role of this variant in disease. Therefore, it has been classified as a Variant of Uncertain Significance.